The following is an entry in ClinVar:

ClinVar aggregate classification (germline): Benign/Likely benign. Review status: criteria provided, multiple submitters, no conflicts (2 of 4 stars). 17 submissions from 17 submitters: Benign (11); Likely benign (1). 5 of the submissions do not count toward it. Last evaluated 2026-02-04.

Conditions:
Cardiovascular phenotype. Identifiers: MedGen CN230736.
Monogenic diabetes. Identifiers: Orphanet 183625, MedGen C3888631, MONDO:0015967.
Alstrom syndrome (ALMS). Identifiers: Orphanet 64, MedGen C0268425, MONDO:0008763, OMIM 203800.

Allele frequency attached by ClinVar (database versions not stated): gnomAD exomes 0.00115; ExAC 0.00138; ESP Exome Variant Server 0.00323; gnomAD 0.00392 and 0.00422; 1000 Genomes Project 0.00419; 1000 Genomes Project 30x 0.00422; TOPMed 0.00467.
gnomAD v4.1: 1,375 of 1,614,176 alleles (0.085%); highest among the groups gnomAD compares: African/African-American, 1.3%; 16 homozygotes.

Submissions (17):

Labcorp Genetics (formerly Invitae), Labcorp
Classification: Benign for Alstrom syndrome. Last evaluated: 2026-02-04. Review status: criteria provided, single submitter. Criteria: Invitae Variant Classification Sherloc (09022015). Collection method: clinical testing. Allele origin: germline.

ARUP Laboratories, Molecular Genetics and Genomics, ARUP Laboratories
Classification: Benign for Alstrom syndrome. Last evaluated: 2025-05-15. Review status: criteria provided, single submitter. Criteria: ARUP Molecular Germline Variant Investigation Process 2024. Collection method: clinical testing. Allele origin: germline.

Blueprint Genetics
Classification: Likely benign. Last evaluated: 2024-11-20. Review status: criteria provided, single submitter. Criteria: ACMG Guidelines, 2015. Collection method: clinical testing. Allele origin: germline.

Genetic Services Laboratory, University of Chicago
Classification: Benign. Last evaluated: 2021-11-16. Review status: criteria provided, single submitter. Criteria: ACMG Guidelines, 2015. Collection method: clinical testing. Allele origin: germline. Affected: no.

Personalized Diabetes Medicine Program, University of Maryland School of Medicine
Classification: Benign for Monogenic diabetes. Last evaluated: 2019-02-15. Review status: criteria provided, single submitter. Criteria: ACMG Guidelines, 2015. Collection method: research. Allele origin: unknown. Observed: 3 variant alleles, 3 heterozygotes.
Comment: ACMG criteria: BP4 (9 predictors, Revel score 0.031), BA1 (1.3% in gnomAD African) , BP1, BS2 (4 homozygotes in gnomAD African)= benign

Ambry Genetics
Classification: Benign for Cardiovascular phenotype. Last evaluated: 2019-01-26. Review status: criteria provided, single submitter. Criteria: Ambry Variant Classification Scheme 2023. Collection method: clinical testing. Allele origin: germline.

GeneDx
Classification: Benign. Last evaluated: 2018-06-05. Review status: criteria provided, single submitter. Criteria: GeneDx Variant Classification Process June 2021. Collection method: clinical testing. Allele origin: germline. Affected: yes.

Women's Health and Genetics/Laboratory Corporation of America, LabCorp
Classification: Benign. Last evaluated: 2018-05-29. Review status: criteria provided, single submitter. Criteria: LabCorp Variant Classification Summary - May 2015. Collection method: clinical testing. Allele origin: germline.
Comment: Variant summary: ALMS1 c.11818G>A (p.Gly3940Ser, alternative name c.11824G>A) results in a non-conservative amino acid change in the encoded protein sequence. Four of five in-silico tools predict a benign effect of the variant on protein function. The variant allele was found at a frequency of 0.0014 in 277116 control chromosomes, predominantly within the African subpopulation at a frequency of 0.013 in the gnomAD database, including 4 homozygotes. The observed variant frequency within African control individuals is approximately 5.8 fold above the estimated maximal expected allele frequency for a pathogenic variant in ALMS1 causing Cardiomyopathy phenotype (0.0022), strongly suggesting that the variant is a benign polymorphism found primarily in populations of African origin. c.11818G>A has been reported in the literature in patients with clinical features of Alstrom syndrome. But this report does not provide unequivocal conclusions about association of the variant with cardiomyopathy or with Alstrom syndrome and is listed among a series of SNV's that were deemed as being unlikely to be pathogenic by the authors. To our knowledge, no experimental evidence demonstrating an impact on protein function has been reported. Three clinical diagnostic laboratories have submitted clinical-significance assessments for this variant to ClinVar after 2014 and all laboratories classified the variant as benign/likely benign. Based on the evidence outlined above, the variant was classified as Benign.

Laboratory for Molecular Medicine, Mass General Brigham Personalized Medicine
Classification: Benign. Last evaluated: 2017-12-21. Review status: criteria provided, single submitter. Criteria: LMM Criteria. Collection method: clinical testing. Allele origin: germline. Observed: 2 variant alleles.
Comment: p.Gly3940Ser in exon 18 of ALMS1: This variant is not expected to have clinical significance because it has been identified in 1.30% (309/24020) of African chro mosomes including 4 homozygotes by the Genome Aggregation Database (gnomAD; dbSNP rs61741524). ACMG/AMP criteria applied: BA1 .

Eurofins Ntd Llc (ga)
Classification: Benign. Last evaluated: 2014-08-27. Review status: criteria provided, single submitter. Criteria: EGL Classification Definitions 2015. Collection method: clinical testing. Allele origin: germline. Observed: 1 variant allele, 1 heterozygote.

Breakthrough Genomics
Classification: Benign. Review status: criteria provided, single submitter. Criteria: ACMG Guidelines, 2015. Collection method: not provided. Allele origin: germline. Inheritance: Autosomal recessive inheritance. Affected: yes.

Clinical Genomics, Uppaluri K&H Personalized Medicine Clinic
Classification: Benign for Alstrom syndrome. Review status: criteria provided, single submitter. Criteria: K & H Uppaluri Personalized Medicine Clinic Variant Classification & Assertion Criteria_Updated V.1. Collection method: research. Allele origin: unknown. Inheritance: Autosomal recessive inheritance.
Comment: Potent mutations in ALMS1 are associated with a rare condition called Alstrom syndrome. It can cause excessive eating, insulin resistance. However, no evidence is found to ascertain the role of rs61741524 in Alstrom syndrome yet.

Natera, Inc.
Classification: Benign for Alstrom syndrome. Last evaluated: 2019-12-09. Review status: no assertion criteria provided. Collection method: clinical testing. Allele origin: germline. Not counted in ClinVar's aggregate classification.

Clinical Genetics DNA and cytogenetics Diagnostics Lab, Erasmus MC, Erasmus Medical Center
Classification: Likely benign. Review status: no assertion criteria provided. Collection method: clinical testing. Allele origin: germline. Affected: yes. Study: VKGL Data-share Consensus. Not counted in ClinVar's aggregate classification.

Clinical Genetics, Academic Medical Center
Classification: Benign. Review status: no assertion criteria provided. Collection method: clinical testing. Allele origin: germline. Affected: yes. Study: VKGL Data-share Consensus. Not counted in ClinVar's aggregate classification.

Genome Diagnostics Laboratory, University Medical Center Utrecht
Classification: Benign. Review status: no assertion criteria provided. Collection method: clinical testing. Allele origin: germline. Affected: yes. Study: VKGL Data-share Consensus. Not counted in ClinVar's aggregate classification.

Laboratory of Diagnostic Genome Analysis, Leiden University Medical Center (LUMC)
Classification: Likely benign. Review status: no assertion criteria provided. Collection method: clinical testing. Allele origin: germline. Affected: yes. Study: VKGL Data-share Consensus. Not counted in ClinVar's aggregate classification.

Literature cited by the submitters: T:\Sequencing\Sequencing Mutation Database\ALMS1\ALMS1 transcript documentation.pdf (cited by Eurofins Ntd Llc (ga)); PubMed 34148947 (cited by Clinical Genomics, Uppaluri K&H Personalized Medicine Clinic); PubMed 25846608 (cited by Clinical Genomics, Uppaluri K&H Personalized Medicine Clinic); PubMed 30421101 (cited by Clinical Genomics, Uppaluri K&H Personalized Medicine Clinic); PubMed 33669459 (cited by Clinical Genomics, Uppaluri K&H Personalized Medicine Clinic).

NM_001378454.1(ALMS1):c.11821G>A (p.Gly3941Ser)

Gene: ALMS1 (ALMS1 centrosome and basal body associated protein; plus strand). Cytogenetic location: 2p13.1.
Variant type: single nucleotide variant.
Coding change: c.11821G>A on transcript NM_001378454.1 (MANE Select); coding-DNA position 11821, G replaced by A.
Protein change: p.Gly3941Ser; replaces glycine 3941 with serine.
Molecular consequence: missense variant.
Genome position (GRCh38, 1-based): chr2:73,600,830, G>A. VCF-style: chr2-73600830-G-A. GRCh37 (hg19) VCF-style: chr2-73827957-G-A.
Other names: c.11824G>A, p.Gly3942Ser (NM_015120.4); short protein forms G3942S, G3941S.
Identifiers: ClinVar variation 194868 (VCV000194868.37), dbSNP rs61741524, ClinGen allele CA201398.